The following is an entry in ClinVar:

ClinVar aggregate classification (germline): Pathogenic/Likely pathogenic. Review status: criteria provided, multiple submitters, no conflicts (2 of 4 stars). 2 submissions from 2 submitters: Pathogenic (1); Likely pathogenic (1). Last evaluated 2022-07-27.

Conditions:
Hereditary cancer-predisposing syndrome. Also called: Neoplastic Syndromes, Hereditary; Hereditary Cancer Syndrome; Tumor predisposition; Hereditary neoplastic syndrome. Identifiers: Orphanet 140162, MedGen C0027672, MeSH D009386, MONDO:0015356.
Nijmegen breakage syndrome-like disorder (NBSLD). Also called: MICROCEPHALY AND SPONTANEOUS CHROMOSOME INSTABILITY WITHOUT IMMUNODEFICIENCY; NBS-LIKE DISORDER; RAD50 DEFICIENCY. Identifiers: Orphanet 240760, MedGen C2751318, MONDO:0013118, OMIM 613078.

Submissions (2):

Baylor Genetics
Classification: Likely pathogenic for Nijmegen breakage syndrome-like disorder. Last evaluated: 2022-07-27. Review status: criteria provided, single submitter. Criteria: ACMG Guidelines, 2015. Collection method: clinical testing. Allele origin: unknown.

GeneKor MSA
Classification: Pathogenic for Hereditary cancer-predisposing syndrome. Last evaluated: 2020-01-01. Review status: criteria provided, single submitter. Criteria: ACMG Guidelines, 2015. Collection method: clinical testing. Allele origin: germline. Affected: yes.
Comment: This sequence change is a duplication of 13 nucleotides in exon 25 of the RAD50 mRNA (c.3779_3791dupGTAACTTCCAGCT). This creates a premature translational stop signal at codon 1265. This variant is expected to result in loss of normal protein function through protein truncationTruncating variants in RAD50 are known to be pathogenic (PMID: 19409520, 16385572). This variant has been described in the international literature in an individual undergoing panel testing for hereditary syndrome (PMID: 31159747).

NM_005732.4(RAD50):c.3779_3791dup (p.Leu1264_Leu1265insTer)

Genes: RAD50 (RAD50 double strand break repair protein; plus strand), TH2LCRR (T helper type 2 locus control region associated RNA; minus strand). Cytogenetic location: 5q31.1.
Variant type: Duplication.
Coding change: c.3779_3791dup on transcript NM_005732.4 (MANE Select); coding-DNA positions 3779 to 3791, 13 bases duplicated (GTAACTTCCAGCT).
Protein change: p.Leu1264_Leu1265insTer.
Molecular consequence: nonsense, inframe insertion. On other transcripts: non-coding transcript variant (1).
Genome position (GRCh38, 1-based): chr5:132,642,204-132,642,216, GTAACTTCCAGCT duplicated. VCF-style (leftmost placement, unchanged base first): chr5-132642203-C-CGTAACTTCCAGCT. GRCh37 (hg19) VCF-style: chr5-131977895-C-CGTAACTTCCAGCT.
Other names: c.3779_3791dupGTAACTTCCAGCT (NM_005732.3).
Identifiers: ClinVar variation 584476 (VCV000584476.3), dbSNP rs1561661777, ClinGen allele CA891843035.